The following is an entry in ClinVar:

ClinVar aggregate classification (germline): Uncertain significance (1 of 4 stars; one submission).

Allele frequency attached by ClinVar (database versions not stated): ExAC 0.00001; gnomAD exomes below 0.00001; gnomAD 0.00001; TOPMed 0.00001.
gnomAD v4.1: 6 of 1,609,782 alleles (0.00037%); highest among the groups gnomAD compares: African/African-American, 0.004%; no homozygotes.

Submission:

Labcorp Genetics (formerly Invitae), Labcorp
Classification: Uncertain significance. Last evaluated: 2021-09-17. Review status: criteria provided, single submitter. Criteria: Invitae Variant Classification Sherloc (09022015). Collection method: clinical testing. Allele origin: germline.
Comment: This sequence change replaces leucine with phenylalanine at codon 1495 of the CDH23 protein (p.Leu1495Phe). The leucine residue is highly conserved and there is a small physicochemical difference between leucine and phenylalanine. The frequency data for this variant in the population databases is considered unreliable, as metrics indicate poor data quality at this position in the ExAC database. This variant has not been reported in the literature in individuals with CDH23-related conditions. Algorithms developed to predict the effect of missense changes on protein structure and function are either unavailable or do not agree on the potential impact of this missense change (SIFT: "Deleterious"; PolyPhen-2: "Not Available"; Align-GVGD: "Class C0"). In summary, the available evidence is currently insufficient to determine the role of this variant in disease. Therefore, it has been classified as a Variant of Uncertain Significance.

NM_022124.6(CDH23):c.4483C>T (p.Leu1495Phe)

Gene: CDH23 (cadherin related 23; plus strand). Cytogenetic location: 10q22.1.
Variant type: single nucleotide variant.
Coding change: c.4483C>T on transcript NM_022124.6 (MANE Select); coding-DNA position 4483, C replaced by T.
Protein change: p.Leu1495Phe; replaces leucine 1495 with phenylalanine.
Molecular consequence: missense variant.
Genome position (GRCh38, 1-based): chr10:71,739,767, C>T. VCF-style: chr10-71739767-C-T. GRCh37 (hg19) VCF-style: chr10-73499524-C-T.
Other names: short protein forms L1495F.
Identifiers: ClinVar variation 1510954 (VCV001510954.5), dbSNP rs756850841, ClinGen allele CA5545055.
Genomic context (GRCh38, chr10:71,739,767, plus strand): 5'-TCCATTGGCGAAGTGTTTGTGGCCAGGCCCCTGGACAGAGAAGAGCTGGATCACTACATC[C>T]TCCAGGTGGGGCCTGGCCTCCCTTGGACTGAGAGACCACTGGCTAAGTGCCTAGACCGGT-3'
Protein context (NP_071407.4, residues 1485-1505): LDREELDHYI[Leu1495Phe]QVVASDRGTP